The following is an entry in ClinVar:

ClinVar aggregate classification (germline): Likely benign. Review status: criteria provided, multiple submitters, no conflicts (2 of 4 stars). 3 submissions from 3 submitters: Likely benign (3). Last evaluated 2025-05-09.

Conditions:
Spastic paraplegia. Identifiers: MedGen C0037772, HP:0001258.

Allele frequency attached by ClinVar (database versions not stated): ExAC 0.00001; gnomAD exomes 0.00001 and 0.00004; TOPMed 0.00001; gnomAD 0.00002; ESP Exome Variant Server 0.00008.
gnomAD v4.1: 60 of 1,613,180 alleles (0.0037%); highest among the groups gnomAD compares: East Asian, 0.0067%; no homozygotes.

Submissions (3):

Athena Diagnostics
Classification: Likely benign. Last evaluated: 2025-05-09. Review status: criteria provided, single submitter. Criteria: Athena Diagnostics Criteria. Collection method: clinical testing. Allele origin: unknown.
Comment: Computational tools yielded predictions that this variant is unlikely to have an effect on normal RNA splicing. This nucleotide position exhibits low evolutionary conservation.

Labcorp Genetics (formerly Invitae), Labcorp
Classification: Likely benign for Spastic paraplegia. Last evaluated: 2024-01-22. Review status: criteria provided, single submitter. Criteria: Invitae Variant Classification Sherloc (09022015). Collection method: clinical testing. Allele origin: germline.

Blueprint Genetics
Classification: Likely benign. Last evaluated: 2023-09-25. Review status: criteria provided, single submitter. Criteria: ACMG Guidelines, 2015. Collection method: clinical testing. Allele origin: germline.

NM_014363.6(SACS):c.2586G>A (p.Pro862=)

Gene: SACS (sacsin molecular chaperone; minus strand). Cytogenetic location: 13q12.12.
Variant type: single nucleotide variant.
Coding change: c.2586G>A on transcript NM_014363.6 (MANE Select); coding-DNA position 2586, G replaced by A.
Protein change: p.Pro862=; no amino-acid change (proline 862 retained).
Molecular consequence: synonymous variant.
Genome position (GRCh38, 1-based): chr13:23,341,290, C>T on the plus strand (G>A on the coding strand, the complement: SACS is on the minus strand). VCF-style: chr13-23341290-C-T. GRCh37 (hg19) VCF-style: chr13-23915429-C-T.
Other names: c.2586G>A (NM_014363.4); c.2145G>A, p.Pro715= (NM_001278055.2).
Identifiers: ClinVar variation 1084082 (VCV001084082.11), dbSNP rs146383946, ClinGen allele CA6911662.